The following is an entry in ClinVar:

ClinVar aggregate classification (germline): Uncertain significance. Review status: criteria provided, multiple submitters, no conflicts (2 of 4 stars). 2 submissions from 2 submitters: Uncertain significance (2). Last evaluated 2025-10-21.

Conditions:
AHDC1-related intellectual disability - obstructive sleep apnea - mild dysmorphism syndrome. Also called: Xia-Gibbs syndrome. Identifiers: Orphanet 412069, MedGen C4014419, MONDO:0014358, OMIM 615829.

Allele frequency attached by ClinVar (database versions not stated): gnomAD exomes below 0.00001; TOPMed below 0.00001; gnomAD 0.00001.
gnomAD v4.1: 7 of 1,612,080 alleles (0.00043%); highest among the groups gnomAD compares: African/African-American, 0.0013%; no homozygotes.

Submissions (2):

Labcorp Genetics (formerly Invitae), Labcorp
Classification: Uncertain significance. Last evaluated: 2025-10-21. Review status: criteria provided, single submitter. Criteria: Invitae Variant Classification Sherloc (09022015). Collection method: clinical testing. Allele origin: germline.
Comment: This sequence change replaces proline, which is neutral and non-polar, with leucine, which is neutral and non-polar, at codon 1231 of the AHDC1 protein (p.Pro1231Leu). This variant is present in population databases (no rsID available, gnomAD 0.01%). This variant has not been reported in the literature in individuals affected with AHDC1-related conditions. ClinVar contains an entry for this variant (Variation ID: 548580). An algorithm developed to predict the effect of missense changes on protein structure and function (PolyPhen-2) suggests that this variant is likely to be disruptive. In summary, the available evidence is currently insufficient to determine the role of this variant in disease. Therefore, it has been classified as a Variant of Uncertain Significance.

Genomic Research Center, Shahid Beheshti University of Medical Sciences
Classification: Uncertain significance for AHDC1-related intellectual disability - obstructive sleep apnea - mild dysmorphism syndrome. Last evaluated: 2018-03-05. Review status: criteria provided, single submitter. Criteria: ACMG Guidelines, 2015. Collection method: clinical testing. Allele origin: inherited. Affected: yes. Observed: 1 variant allele.

NM_001371928.1(AHDC1):c.3692C>T (p.Pro1231Leu)

Gene: AHDC1 (AT-hook DNA binding motif containing 1; minus strand). Cytogenetic location: 1p36.11.
Variant type: single nucleotide variant.
Coding change: c.3692C>T on transcript NM_001371928.1 (MANE Select); coding-DNA position 3692, C replaced by T.
Protein change: p.Pro1231Leu; replaces proline 1231 with leucine.
Molecular consequence: missense variant.
Genome position (GRCh38, 1-based): chr1:27,548,424, G>A on the plus strand (C>T on the coding strand, the complement: AHDC1 is on the minus strand). VCF-style: chr1-27548424-G-A. GRCh37 (hg19) VCF-style: chr1-27874935-G-A.
Other names: c.3692C>T, p.Pro1231Leu (NM_001029882.3); short protein forms P1231L.
Identifiers: ClinVar variation 548580 (VCV000548580.6), dbSNP rs559597076, ClinGen allele CA339225402.